The following is an entry in ClinVar:

ClinVar aggregate classification (germline): Uncertain significance (1 of 4 stars; one submission).

Conditions:
Mitochondrial DNA depletion syndrome 13. Also called: FBXL4-Related Encephalomyopathic Mitochondrial DNA Depletion Syndrome; Mitochondrial DNA depletion syndrome 13 (encephalomyopathic type). Identifiers: Orphanet 369897, MedGen C3809592, MONDO:0014198, OMIM 615471.

Allele frequency attached by ClinVar (database versions not stated): gnomAD exomes below 0.00001; ExAC 0.00001.

Submission:

Wong Mito Lab, Molecular and Human Genetics, Baylor College of Medicine
Classification: Uncertain significance for Mitochondrial DNA depletion syndrome 13. Last evaluated: 2017-08-10. Review status: criteria provided, single submitter. Criteria: ACMG Guidelines, 2015. Collection method: reference population. Allele origin: germline.
Comment: The NM_012160.4:c.35C>T (NP_036292.2:p.Thr12Ile) [GRCH38: NC_000006.12:g.98926954G>A] variant in FBXL4 gene is interpretated to be a Uncertain Significance - Conflicting Evidence based on ACMG guidelines (PMID: 25741868). This variant meets one or more of the following evidence codes reported in the ACMG-guideline. PM2:This variant is absent in key population databases. BP4:Computational evidence/predictors indicate no impact on the FBXL4 structure, function, or protein-protein interaction. Based on this evidence code ClinGen Pathogenicity Calculator (PMID:28081714) suggested that the variant is Uncertain Significance - Conflicting Evidence.

NM_001278716.2(FBXL4):c.35C>T (p.Thr12Ile)

Gene: FBXL4 (F-box and leucine rich repeat protein 4; minus strand). Cytogenetic location: 6q16.2.
Variant type: single nucleotide variant.
Coding change: c.35C>T on transcript NM_001278716.2 (MANE Select); coding-DNA position 35, C replaced by T.
Protein change: p.Thr12Ile; replaces threonine 12 with isoleucine.
Molecular consequence: missense variant. On other transcripts: non-coding transcript variant (2).
Genome position (GRCh38, 1-based): chr6:98,926,954, G>A on the plus strand (C>T on the coding strand, the complement: FBXL4 is on the minus strand). VCF-style: chr6-98926954-G-A. GRCh37 (hg19) VCF-style: chr6-99374830-G-A.
Other names: c.35C>T, p.Thr12Ile (NM_012160.5); short protein forms T12I.
Identifiers: ClinVar variation 437517 (VCV000437517.1), dbSNP rs771325698, ClinGen allele CA3933759.